The following is an entry in ClinVar:

NM_001042492.3(NF1):c.7153A>C (p.Asn2385His)

Gene: NF1 (neurofibromin 1; plus strand). Cytogenetic location: 17q11.2.
Variant type: single nucleotide variant.
Coding change: c.7153A>C on transcript NM_001042492.3 (MANE Select); coding-DNA position 7153, A replaced by C.
Protein change: p.Asn2385His; replaces asparagine 2385 with histidine.
Molecular consequence: missense variant.
Genome position (GRCh38, 1-based): chr17:31,343,099, A>C. VCF-style: chr17-31343099-A-C. GRCh37 (hg19) VCF-style: chr17-29670117-A-C.
Other names: c.7090A>C, p.Asn2364His (NM_000267.4); short protein forms N2385H, N2364H.
Identifiers: ClinVar variation 2075043 (VCV002075043.6), dbSNP rs1597851405, ClinGen allele CA399015706.

ClinVar aggregate classification (germline): Uncertain significance. Review status: criteria provided, multiple submitters, no conflicts (2 of 4 stars). 3 submissions from 3 submitters: Uncertain significance (3). Last evaluated 2025-06-28.

Conditions:
Cardiovascular phenotype. Identifiers: MedGen CN230736.
Hereditary cancer-predisposing syndrome. Also called: Hereditary Cancer Syndrome; Hereditary neoplastic syndrome; Neoplastic Syndromes, Hereditary; Tumor predisposition. Identifiers: Orphanet 140162, MedGen C0027672, MeSH D009386, MONDO:0015356.
Neurofibromatosis, type 1 (NF1). Also called: Neurofibromatosis, type I; VON RECKLINGHAUSEN DISEASE; NEUROFIBROMATOSIS, TYPE I, SOMATIC; Peripheral type neurofibromatosis. Identifiers: Orphanet 636, MedGen C0027831, MONDO:0018975, OMIM 162200. Disease mechanism: loss of function.
Juvenile myelomonocytic leukemia (JMML). Also called: LEUKEMIA, JUVENILE MYELOMONOCYTIC, SOMATIC. Identifiers: Orphanet 86834, MedGen C0349639, MONDO:0011908, OMIM 607785, HP:0012209.

Submissions (3):

Ambry Genetics
Classification: Uncertain significance for Cardiovascular phenotype; Hereditary cancer-predisposing syndrome. Last evaluated: 2025-06-28. Review status: criteria provided, single submitter. Criteria: Ambry Variant Classification Scheme 2023. Collection method: clinical testing. Allele origin: germline.
Comment: The p.N2364H variant (also known as c.7090A>C), located in coding exon 47 of the NF1 gene, results from an A to C substitution at nucleotide position 7090. The asparagine at codon 2364 is replaced by histidine, an amino acid with similar properties. This amino acid position is conserved. In addition, this alteration is predicted to be tolerated by in silico analysis. Based on the available evidence, the clinical significance of this variant remains unclear.

Baylor Genetics
Classification: Uncertain significance for Juvenile myelomonocytic leukemia. Last evaluated: 2023-12-19. Review status: criteria provided, single submitter. Criteria: ACMG Guidelines, 2015. Collection method: clinical testing. Allele origin: unknown.

Labcorp Genetics (formerly Invitae), Labcorp
Classification: Uncertain significance for Neurofibromatosis, type 1. Last evaluated: 2022-01-05. Review status: criteria provided, single submitter. Criteria: Invitae Variant Classification Sherloc (09022015). Collection method: clinical testing. Allele origin: germline.
Comment: In summary, the available evidence is currently insufficient to determine the role of this variant in disease. Therefore, it has been classified as a Variant of Uncertain Significance. Advanced modeling of protein sequence and biophysical properties (such as structural, functional, and spatial information, amino acid conservation, physicochemical variation, residue mobility, and thermodynamic stability) performed at Invitae indicates that this missense variant is not expected to disrupt NF1 protein function. This variant has not been reported in the literature in individuals affected with NF1-related conditions. This variant is not present in population databases (gnomAD no frequency). This sequence change replaces asparagine, which is neutral and polar, with histidine, which is basic and polar, at codon 2364 of the NF1 protein (p.Asn2364His).